The following is an entry in ClinVar:

NM_001128840.3(CACNA1D):c.1112A>C (p.Tyr371Ser)

Gene: CACNA1D (calcium voltage-gated channel subunit alpha1 D; plus strand). Cytogenetic location: 3p21.1.
Variant type: single nucleotide variant.
Coding change: c.1112A>C on transcript NM_001128840.3 (MANE Select); coding-DNA position 1112, A replaced by C.
Protein change: p.Tyr371Ser; replaces tyrosine 371 with serine.
Molecular consequence: missense variant.
Genome position (GRCh38, 1-based): chr3:53,666,531, A>C. VCF-style: chr3-53666531-A-C. GRCh37 (hg19) VCF-style: chr3-53700558-A-C.
Other names: c.1112A>C, p.Tyr371Ser (NM_000720.4, NM_001128839.3); short protein forms Y371S.
Identifiers: ClinVar variation 1299896 (VCV001299896.8), dbSNP rs577554366, ClinGen allele CA2453821.

ClinVar aggregate classification (germline): Uncertain significance. Review status: criteria provided, single submitter (1 of 4 stars). 3 submissions from 3 submitters: Uncertain significance (1). 2 of the submissions do not count toward it. Last evaluated 2026-01-27.

Allele frequency attached by ClinVar (database versions not stated): ExAC 0.00001; TOPMed 0.00002; gnomAD exomes 0.00004; gnomAD 0.00005 and 0.00006.
gnomAD v4.1: 38 of 1,612,186 alleles (0.0024%); highest among the groups gnomAD compares: Non-Finnish European, 0.0029%; no homozygotes.

Submissions (3):

Labcorp Genetics (formerly Invitae), Labcorp
Classification: Uncertain significance. Last evaluated: 2026-01-27. Review status: criteria provided, single submitter. Criteria: Invitae Variant Classification Sherloc (09022015). Collection method: clinical testing. Allele origin: germline.
Comment: This sequence change replaces tyrosine, which is neutral and polar, with serine, which is neutral and polar, at codon 371 of the CACNA1D protein (p.Tyr371Ser). This variant is present in population databases (rs577554366, gnomAD 0.008%). This variant has not been reported in the literature in individuals affected with CACNA1D-related conditions. ClinVar contains an entry for this variant (Variation ID: 1299896). Invitae Evidence Modeling of protein sequence and biophysical properties (such as structural, functional, and spatial information, amino acid conservation, physicochemical variation, residue mobility, and thermodynamic stability) indicates that this missense variant is not expected to disrupt CACNA1D protein function with a negative predictive value of 80%. In summary, the available evidence is currently insufficient to determine the role of this variant in disease. Therefore, it has been classified as a Variant of Uncertain Significance.

Clinical Genetics, Academic Medical Center
Classification: Uncertain significance. Review status: no assertion criteria provided. Collection method: clinical testing. Allele origin: germline. Affected: yes. Study: VKGL Data-share Consensus. Not counted in ClinVar's aggregate classification.

Diagnostic Laboratory, Department of Genetics, University Medical Center Groningen
Classification: Uncertain significance. Review status: no assertion criteria provided. Collection method: clinical testing. Allele origin: germline. Affected: yes. Study: VKGL Data-share Consensus. Not counted in ClinVar's aggregate classification.